The following is an entry in ClinVar:

ClinVar aggregate classification (germline): Likely benign (1 of 4 stars; one submission).

Conditions:
FOXL2-related disorder. Also called: FOXL2-related condition.

gnomAD v4.1: 197 of 1,550,184 alleles (0.013%); highest among the groups gnomAD compares: Non-Finnish European, 0.017%; 1 homozygote.

Submission:

PreventionGenetics, part of Exact Sciences
Classification: Likely benign for FOXL2-related condition. Last evaluated: 2024-10-21. Review status: criteria provided, single submitter. Criteria: ACMG Guidelines, 2015. Collection method: clinical testing. Allele origin: germline.
Comment: This variant is classified as likely benign based on ACMG/AMP sequence variant interpretation guidelines (Richards et al. 2015 PMID: 25741868, with internal and published modifications).

NM_023067.4(FOXL2):c.1025G>A (p.Gly342Asp)

Gene: FOXL2 (forkhead box L2; minus strand). Cytogenetic location: 3q22.3.
Variant type: single nucleotide variant.
Coding change: c.1025G>A on transcript NM_023067.4 (MANE Select); coding-DNA position 1025, G replaced by A.
Protein change: p.Gly342Asp; replaces glycine 342 with aspartic acid.
Molecular consequence: missense variant.
Genome position (GRCh38, 1-based): chr3:138,945,698, C>T on the plus strand (G>A on the coding strand, the complement: FOXL2 is on the minus strand). VCF-style: chr3-138945698-C-T. GRCh37 (hg19) VCF-style: chr3-138664540-C-T.
Other names: short protein forms G342D.
Identifiers: ClinVar variation 4993038 (VCV004993038.1).